The following is an entry in ClinVar:

NM_032043.3(BRIP1):c.1603G>C (p.Asp535His)

Gene: BRIP1 (BRCA1 interacting DNA helicase 1; minus strand). Cytogenetic location: 17q23.2.
Variant type: single nucleotide variant.
Coding change: c.1603G>C on transcript NM_032043.3 (MANE Select); coding-DNA position 1603, G replaced by C.
Protein change: p.Asp535His; replaces aspartic acid 535 with histidine.
Molecular consequence: missense variant.
Genome position (GRCh38, 1-based): chr17:61,784,295, C>G on the plus strand (G>C on the coding strand, the complement: BRIP1 is on the minus strand). VCF-style: chr17-61784295-C-G. GRCh37 (hg19) VCF-style: chr17-59861656-C-G.
Other names: short protein forms D535H.
Identifiers: ClinVar variation 2942697 (VCV002942697.3), dbSNP rs2145135863, ClinGen allele CA400480977.

ClinVar aggregate classification (germline): Uncertain significance (1 of 4 stars; one submission).

Conditions:
Fanconi anemia complementation group J. Also called: BRIP1-Related Fanconi Anemia. Identifiers: Orphanet 84, MedGen C1836860, MONDO:0012187, OMIM 609054.
Familial cancer of breast. Also called: BREAST CANCER, FAMILIAL; Hereditary breast cancer; hereditary breast carcinoma. Identifiers: Orphanet 227535, MedGen C0346153, MONDO:0016419, OMIM 114480. Disease mechanism: loss of function.

Submission:

Labcorp Genetics (formerly Invitae), Labcorp
Classification: Uncertain significance for Familial cancer of breast; Fanconi anemia complementation group J. Last evaluated: 2023-10-24. Review status: criteria provided, single submitter. Criteria: Invitae Variant Classification Sherloc (09022015). Collection method: clinical testing. Allele origin: germline.
Comment: This sequence change replaces aspartic acid, which is acidic and polar, with histidine, which is basic and polar, at codon 535 of the BRIP1 protein (p.Asp535His). This variant is not present in population databases (gnomAD no frequency). This variant has not been reported in the literature in individuals affected with BRIP1-related conditions. Advanced modeling of protein sequence and biophysical properties (such as structural, functional, and spatial information, amino acid conservation, physicochemical variation, residue mobility, and thermodynamic stability) performed at Invitae indicates that this missense variant is not expected to disrupt BRIP1 protein function with a negative predictive value of 80%. In summary, the available evidence is currently insufficient to determine the role of this variant in disease. Therefore, it has been classified as a Variant of Uncertain Significance.